The following is an entry in ClinVar:

ClinVar aggregate classification (germline): Uncertain significance (1 of 4 stars; one submission).

Conditions:
Cardiomyopathy (CMYO). Also called: Cardiomyopathies. Identifiers: Orphanet 167848, MedGen C0878544, MONDO:0004994, HP:0001638. Inheritance: Various modes of inheritance.

Submission:

Color Diagnostics, LLC DBA Color Health
Classification: Uncertain significance for Cardiomyopathy. Last evaluated: 2024-03-06. Review status: criteria provided, single submitter. Criteria: ACMG Guidelines, 2015. Collection method: clinical testing. Allele origin: germline.
Comment: This missense variant replaces glutamic acid with aspartic acid at codon 1312 of the RYR2 protein. Computational prediction suggests that this variant may not impact protein structure and function (internally defined REVEL score threshold <= 0.5, PMID: 27666373). To our knowledge, functional studies have not been reported for this variant. This variant has not been reported in individuals affected with cardiovascular disorders in the literature. This variant has not been identified in the general population by the Genome Aggregation Database (gnomAD). The available evidence is insufficient to determine the role of this variant in disease conclusively. Therefore, this variant is classified as a Variant of Uncertain Significance.

NM_001035.3(RYR2):c.3936G>C (p.Glu1312Asp)

Genes: RYR2 (ryanodine receptor 2; plus strand), LOC126806067 (BRD4-independent group 4 enhancer GRCh37_chr1:237753258-237754457; plus strand). Cytogenetic location: 1q43.
Variant type: single nucleotide variant.
Coding change: c.3936G>C on transcript NM_001035.3 (MANE Select); coding-DNA position 3936, G replaced by C.
Protein change: p.Glu1312Asp; replaces glutamic acid 1312 with aspartic acid.
Molecular consequence: missense variant.
Genome position (GRCh38, 1-based): chr1:237,590,768, G>C. VCF-style: chr1-237590768-G-C. GRCh37 (hg19) VCF-style: chr1-237754068-G-C.
Other names: short protein forms E1312D.
Identifiers: ClinVar variation 2774286 (VCV002774286.2), dbSNP rs2546614600, ClinGen allele CA345397395.
Genomic context (GRCh38, chr1:237,590,768, plus strand): 5'-TCAGAACAGCAACACTGATATCATGTTTTATCGCCTGAGCATGCCGATCGAGTGCGCGGA[G>C]GTCTTCTCCAAGACGGTGGCTGGAGGGCTCCCTGGGGCTGGCCTTTTTGGGCCCAAGAAT-3'
Protein context (NP_001026.2, residues 1302-1322): YRLSMPIECA[Glu1312Asp]VFSKTVAGGL